The following is an entry in ClinVar:

ClinVar aggregate classification (germline): Uncertain significance (1 of 4 stars; one submission).

Conditions:
Charcot-Marie-Tooth disease dominant intermediate C (CMTDIC). Also called: CHARCOT-MARIE-TOOTH NEUROPATHY, DOMINANT INTERMEDIATE C. Identifiers: Orphanet 100045, MedGen C1842237, MONDO:0012012, OMIM 608323.

Allele frequency attached by ClinVar (database versions not stated): gnomAD exomes below 0.00001 and 0.00001; ExAC 0.00001.
gnomAD v4.1: 2 of 1,614,186 alleles (0.00012%); highest among the groups gnomAD compares: East Asian, 0.0022%; no homozygotes.

Submission:

Labcorp Genetics (formerly Invitae), Labcorp
Classification: Uncertain significance for Charcot-Marie-Tooth disease dominant intermediate C. Last evaluated: 2022-09-07. Review status: criteria provided, single submitter. Criteria: Invitae Variant Classification Sherloc (09022015). Collection method: clinical testing. Allele origin: germline.
Comment: This sequence change replaces valine, which is neutral and non-polar, with methionine, which is neutral and non-polar, at codon 255 of the YARS protein (p.Val255Met). This variant is present in population databases (rs768654208, gnomAD 0.006%). This variant has not been reported in the literature in individuals affected with YARS-related conditions. ClinVar contains an entry for this variant (Variation ID: 935155). Algorithms developed to predict the effect of missense changes on protein structure and function are either unavailable or do not agree on the potential impact of this missense change (SIFT: "Not Available"; PolyPhen-2: "Possibly Damaging"; Align-GVGD: "Not Available"). In summary, the available evidence is currently insufficient to determine the role of this variant in disease. Therefore, it has been classified as a Variant of Uncertain Significance.

NM_003680.4(YARS1):c.763G>A (p.Val255Met)

Genes: YARS1 (tyrosyl-tRNA synthetase 1; minus strand), LOC126805688 (BRD4-independent group 4 enhancer GRCh37_chr1:33251929-33253128; plus strand). Cytogenetic location: 1p35.1.
Variant type: single nucleotide variant.
Coding change: c.763G>A on transcript NM_003680.4 (MANE Select); coding-DNA position 763, G replaced by A.
Protein change: p.Val255Met; replaces valine 255 with methionine.
Molecular consequence: missense variant.
Genome position (GRCh38, 1-based): chr1:32,786,997, C>T on the plus strand (G>A on the coding strand, the complement: YARS1 is on the minus strand). VCF-style: chr1-32786997-C-T. GRCh37 (hg19) VCF-style: chr1-33252598-C-T.
Other names: short protein forms V255M.
Identifiers: ClinVar variation 935155 (VCV000935155.10), dbSNP rs768654208, ClinGen allele CA745116.